The following is an entry in ClinVar:

NM_152393.4(KLHL40):c.251A>G (p.Gln84Arg)

Gene: KLHL40 (kelch like family member 40; plus strand). Cytogenetic location: 3p22.1.
Variant type: single nucleotide variant.
Coding change: c.251A>G on transcript NM_152393.4 (MANE Select); coding-DNA position 251, A replaced by G.
Protein change: p.Gln84Arg; replaces glutamine 84 with arginine.
Molecular consequence: missense variant.
Genome position (GRCh38, 1-based): chr3:42,685,869, A>G. VCF-style: chr3-42685869-A-G. GRCh37 (hg19) VCF-style: chr3-42727361-A-G.
Other names: c.251A>G (NM_152393.2); short protein forms Q84R.
Identifiers: ClinVar variation 1036142 (VCV001036142.5), dbSNP rs780835485, ClinGen allele CA2336608.

ClinVar aggregate classification (germline): Uncertain significance. Review status: criteria provided, multiple submitters, no conflicts (2 of 4 stars). 2 submissions from 2 submitters: Uncertain significance (2). Last evaluated 2024-09-28.

Conditions:
Inborn genetic diseases. Identifiers: MedGen C0950123, MeSH D030342.
Nemaline myopathy 8 (NEM8). Also called: Nemaline myopathy 8, autosomal recessive. Identifiers: Orphanet 171430, MedGen C3809209, MONDO:0014138, OMIM 615348.

Allele frequency attached by ClinVar (database versions not stated): gnomAD exomes below 0.00001 and 0.00001; ExAC 0.00001; gnomAD 0.00001; TOPMed 0.00001.
gnomAD v4.1: 9 of 1,612,784 alleles (0.00056%); highest among the groups gnomAD compares: East Asian, 0.0022%; no homozygotes.

Submissions (2):

Labcorp Genetics (formerly Invitae), Labcorp
Classification: Uncertain significance for Nemaline myopathy 8. Last evaluated: 2024-09-28. Review status: criteria provided, single submitter. Criteria: Invitae Variant Classification Sherloc (09022015). Collection method: clinical testing. Allele origin: germline.
Comment: This sequence change replaces glutamine, which is neutral and polar, with arginine, which is basic and polar, at codon 84 of the KLHL40 protein (p.Gln84Arg). This variant is present in population databases (rs780835485, gnomAD 0.0009%). This variant has not been reported in the literature in individuals affected with KLHL40-related conditions. ClinVar contains an entry for this variant (Variation ID: 1036142). Invitae Evidence Modeling of protein sequence and biophysical properties (such as structural, functional, and spatial information, amino acid conservation, physicochemical variation, residue mobility, and thermodynamic stability) indicates that this missense variant is not expected to disrupt KLHL40 protein function with a negative predictive value of 95%. In summary, the available evidence is currently insufficient to determine the role of this variant in disease. Therefore, it has been classified as a Variant of Uncertain Significance.

Ambry Genetics
Classification: Uncertain significance for Inborn genetic diseases. Last evaluated: 2022-10-12. Review status: criteria provided, single submitter. Criteria: Ambry Variant Classification Scheme 2023. Collection method: clinical testing. Allele origin: germline.